The following is an entry in ClinVar:

ClinVar aggregate classification (germline): Uncertain significance. Review status: criteria provided, multiple submitters, no conflicts (2 of 4 stars). 2 submissions from 2 submitters: Uncertain significance (2). Last evaluated 2025-08-05.

Conditions:
Class III obesity. Identifiers: MedGen C1556381, HP:0025501.
Hypertensive disorder. Also called: Hypertension. Identifiers: MedGen C0020538, MONDO:0005044, HP:0000822.
Type 2 diabetes mellitus. Also called: Type II diabetes mellitus. Identifiers: MedGen C0011860, MeSH D003924, MONDO:0005148, OMIM 125853, HP:0005978.
Hyperlipidemia. Also called: Hyperlipidemias; Hyperlipidemia (disease). Identifiers: MedGen C0020473, MONDO:0021187, HP:0003077.
Diabetes mellitus. Also called: Diabetes mellitus (disease). Identifiers: MedGen C0011849, MONDO:0005015, HP:0000819.
Obesity. Also called: Obesity disorder. Identifiers: Orphanet 71529, MedGen C0028754, MeSH D009765, MONDO:0011122, HP:0001513.
KSR2-related disorder. Also called: KSR2-related condition.

Allele frequency attached by ClinVar (database versions not stated): gnomAD exomes 0.00001 and 0.00002; TOPMed below 0.00001; ExAC 0.00001.
gnomAD v4.1: 25 of 1,610,412 alleles (0.0016%); highest among the groups gnomAD compares: East Asian, 0.0022%; no homozygotes.

Submissions (2):

PreventionGenetics, part of Exact Sciences
Classification: Uncertain significance for KSR2-related condition. Last evaluated: 2025-08-05. Review status: criteria provided, single submitter. Criteria: ACMG Guidelines, 2015. Collection method: clinical testing. Allele origin: germline.
Comment: The KSR2 c.2425C>T variant is predicted to result in the amino acid substitution p.Arg809Cys. To our knowledge, this variant has not been reported in the literature. This variant is reported in 0.0057% of alleles in individuals of East Asian descent in gnomAD. At this time, the clinical significance of this variant is uncertain due to the absence of conclusive functional and genetic evidence.

Institute of Human Genetics, University of Leipzig Medical Center
Classification: Uncertain significance for Diabetes mellitus; Hypertensive disorder; Obesity; Hyperlipidemia; Type 2 diabetes mellitus; Class III obesity. Last evaluated: 2022-01-10. Review status: criteria provided, single submitter. Criteria: ACMG Guidelines, 2015. Collection method: clinical testing. Allele origin: unknown. Affected: yes.
Comment: Criteria applied: PM2_SUP, PP2, PP3

Literature cited by the submitters: PubMed 24209692 (cited by Institute of Human Genetics, University of Leipzig Medical Center).

NM_173598.6(KSR2):c.2512C>T (p.Arg838Cys)

Gene: KSR2 (kinase suppressor of ras 2; minus strand). Cytogenetic location: 12q24.22.
Variant type: single nucleotide variant.
Coding change: c.2512C>T on transcript NM_173598.6 (MANE Select); coding-DNA position 2512, C replaced by T.
Protein change: p.Arg838Cys; replaces arginine 838 with cysteine.
Molecular consequence: missense variant.
Genome position (GRCh38, 1-based): chr12:117,476,534, G>A on the plus strand (C>T on the coding strand, the complement: KSR2 is on the minus strand). VCF-style: chr12-117476534-G-A. GRCh37 (hg19) VCF-style: chr12-117914339-G-A.
Other names: c.2425C>T (NM_173598.4); short protein forms R838C.
Identifiers: ClinVar variation 1338787 (VCV001338787.2), dbSNP rs772671793, ClinGen allele CA6815697.